The following is an entry in ClinVar:

NM_001267550.2(TTN):c.46208_46209del (p.Thr15403fs)

Gene: TTN (titin; minus strand). Cytogenetic location: 2q31.2.
Variant type: Deletion.
Coding change: c.46208_46209del on transcript NM_001267550.2 (MANE Select); coding-DNA positions 46208 to 46209, 2 bases deleted (CT; older notation c.46208_46209delCT).
Protein change: p.Thr15403fs; shifts the reading frame from threonine 15403.
Molecular consequence: frameshift variant.
Genome position (GRCh38, 1-based): chr2:178,620,312-178,620,313, AG deleted on the plus strand (CT on the coding strand, the reverse complement: TTN is on the minus strand). VCF-style (leftmost placement, unchanged base first): chr2-178620311-CAG-C. GRCh37 (hg19) VCF-style: chr2-179485038-CAG-C.
Other names: c.41285_41286del, p.Thr13762fs (NM_001256850.1); c.19013_19014del, p.Thr6338fs (NM_003319.4); c.38504_38505del, p.Thr12835fs (NM_133378.4); c.19388_19389del, p.Thr6463fs (NM_133432.3); c.19589_19590del, p.Thr6530fs (NM_133437.4); short protein forms T12835fs, T13762fs, T15403fs, T6338fs, T6463fs, T6530fs.
Identifiers: ClinVar variation 3756131 (VCV003756131.2).

ClinVar aggregate classification (germline): Likely pathogenic (1 of 4 stars; one submission).

Conditions:
Dilated cardiomyopathy 1G (CMD1G). Identifiers: Orphanet 154, MedGen C1858763, MONDO:0011400, OMIM 604145.
Autosomal recessive limb-girdle muscular dystrophy type 2J (LGMDR10). Also called: Limb-girdle muscular dystrophy, type 2J; MUSCULAR DYSTROPHY, LIMB-GIRDLE, AUTOSOMAL RECESSIVE 10. Identifiers: Orphanet 140922, MedGen C1837342, MONDO:0012127, OMIM 608807.

Submission:

Labcorp Genetics (formerly Invitae), Labcorp
Classification: Likely pathogenic for Dilated cardiomyopathy 1G; Autosomal recessive limb-girdle muscular dystrophy type 2J. Last evaluated: 2024-05-01. Review status: criteria provided, single submitter. Criteria: Invitae Variant Classification Sherloc (09022015). Collection method: clinical testing. Allele origin: germline.
Comment: This sequence change creates a premature translational stop signal (p.Thr15403Argfs*4) in the TTN gene. While this is not anticipated to result in nonsense mediated decay, it is expected to create a truncated TTN protein. This variant is not present in population databases (gnomAD no frequency). This variant has not been reported in the literature in individuals affected with TTN-related conditions. This variant is located in the I band of TTN (PMID: 25589632). Truncating variants in this region have been reported in individuals affected with autosomal recessive centronuclear myopathy (PMID: 23975875, Invitae internal data). Truncating variants in this region have also been identified in individuals affected with autosomal dominant dilated cardiomyopathy and/or cardio-related conditions (PMID: 27869827, 32964742, Invitae internal data). In summary, the currently available evidence indicates that the variant is pathogenic, but additional data are needed to prove that conclusively. Therefore, this variant has been classified as Likely Pathogenic.

Literature cited by the submitters: PubMed 25589632; PubMed 23975875; PubMed 27869827; PubMed 32964742.